The following is an entry in ClinVar:

ClinVar aggregate classification (germline): Conflicting classifications of pathogenicity. Review status: criteria provided, conflicting classifications (1 of 4 stars). 6 submissions from 6 submitters: Uncertain significance (4); Likely benign (1). 1 of the submissions does not count toward it. Last evaluated 2025-09-16.

Conditions:
ELP1-related disorder. Also called: ELP1-related condition.
Familial dysautonomia. Also called: FD; HSAN III. Identifiers: Orphanet 1764, MedGen C0013364, MONDO:0009131, OMIM 223900. Disease mechanism: loss of function.
Medulloblastoma (MDB). Also called: Medulloblastoma, somatic; MEDULLOBLASTOMA PREDISPOSITION SYNDROME. Identifiers: Orphanet 616, MedGen C0025149, MeSH D008527, MONDO:0007959, OMIM 155255, HP:0002885.

Allele frequency attached by ClinVar (database versions not stated): gnomAD below 0.00001 and 0.00009; TOPMed 0.00002; gnomAD exomes 0.00022; ExAC 0.00026; 1000 Genomes Project 30x 0.00094; 1000 Genomes Project 0.00100.
gnomAD v4.1: 147 of 1,613,720 alleles (0.0091%); highest among the groups gnomAD compares: South Asian, 0.14%; no homozygotes.

Submissions (6):

PreventionGenetics, part of Exact Sciences
Classification: Likely benign for ELP1-related condition. Last evaluated: 2025-09-16. Review status: criteria provided, single submitter. Criteria: ACMG Guidelines, 2015. Collection method: clinical testing. Allele origin: germline.
Comment: This variant is classified as likely benign based on ACMG/AMP sequence variant interpretation guidelines (Richards et al. 2015 PMID: 25741868, with internal and published modifications).

GeneDx
Classification: Uncertain significance. Last evaluated: 2024-11-26. Review status: criteria provided, single submitter. Criteria: GeneDx Variant Classification Process June 2021. Collection method: clinical testing. Allele origin: germline. Affected: yes.
Comment: In silico analysis supports that this missense variant has a deleterious effect on protein structure/function; Has not been previously published as pathogenic or benign to our knowledge

Labcorp Genetics (formerly Invitae), Labcorp
Classification: Uncertain significance. Last evaluated: 2024-03-13. Review status: criteria provided, single submitter. Criteria: Invitae Variant Classification Sherloc (09022015). Collection method: clinical testing. Allele origin: germline.
Comment: This sequence change replaces isoleucine, which is neutral and non-polar, with threonine, which is neutral and polar, at codon 394 of the ELP1 protein (p.Ile394Thr). This variant is present in population databases (rs571143526, gnomAD 0.2%). This variant has not been reported in the literature in individuals affected with ELP1-related conditions. ClinVar contains an entry for this variant (Variation ID: 990660). Advanced modeling of protein sequence and biophysical properties (such as structural, functional, and spatial information, amino acid conservation, physicochemical variation, residue mobility, and thermodynamic stability) has been performed at Invitae for this missense variant, however the output from this modeling did not meet the statistical confidence thresholds required to predict the impact of this variant on ELP1 protein function. In summary, the available evidence is currently insufficient to determine the role of this variant in disease. Therefore, it has been classified as a Variant of Uncertain Significance.

Fulgent Genetics
Classification: Uncertain significance for Medulloblastoma; Familial dysautonomia. Last evaluated: 2021-10-20. Review status: criteria provided, single submitter. Criteria: ACMG Guidelines, 2015. Collection method: clinical testing. Allele origin: unknown.

Ambry Genetics
Classification: Uncertain significance. Last evaluated: 2019-12-06. Review status: criteria provided, single submitter. Criteria: Ambry Variant Classification Scheme 2023. Collection method: clinical testing. Allele origin: germline.
Comment: The p.I394T variant (also known as c.1181T>C), located in coding exon 10 of the IKBKAP gene, results from a T to C substitution at nucleotide position 1181. The isoleucine at codon 394 is replaced by threonine, an amino acid with similar properties. This amino acid position is highly conserved in available vertebrate species. In addition, the in silico prediction for this alteration is inconclusive. Since supporting evidence is limited at this time, the clinical significance of this alteration remains unclear.

Natera, Inc.
Classification: Uncertain significance for Familial dysautonomia. Last evaluated: 2020-08-03. Review status: no assertion criteria provided. Collection method: clinical testing. Allele origin: germline. Not counted in ClinVar's aggregate classification.

NM_003640.5(ELP1):c.1181T>C (p.Ile394Thr)

Gene: ELP1 (elongator acetyltransferase complex subunit 1; minus strand). Cytogenetic location: 9q31.3.
Variant type: single nucleotide variant.
Coding change: c.1181T>C on transcript NM_003640.5 (MANE Select); coding-DNA position 1181, T replaced by C.
Protein change: p.Ile394Thr; replaces isoleucine 394 with threonine.
Molecular consequence: missense variant.
Genome position (GRCh38, 1-based): chr9:108,912,272, A>G on the plus strand (T>C on the coding strand, the complement: ELP1 is on the minus strand). VCF-style: chr9-108912272-A-G. GRCh37 (hg19) VCF-style: chr9-111674552-A-G.
Other names: c.839T>C, p.Ile280Thr (NM_001318360.2); c.134T>C, p.Ile45Thr (NM_001330749.2); c.1181T>C (NM_003640.4, NM_003640.3); short protein forms I280T, I394T, I45T.
Identifiers: ClinVar variation 990660 (VCV000990660.9), dbSNP rs571143526, ClinGen allele CA5175098.